The following is an entry in ClinVar:

ClinVar aggregate classification (germline): Likely benign. Review status: criteria provided, single submitter (1 of 4 stars). 2 submissions from 2 submitters: Likely benign (1). 1 of the submissions does not count toward it. Last evaluated 2025-08-13.

Conditions:
SUCLG2-related disorder. Also called: SUCLG2-related condition.

Allele frequency attached by ClinVar (database versions not stated): ExAC 0.00012; gnomAD 0.00016; gnomAD exomes 0.00015; TOPMed 0.00017.
gnomAD v4.1: 250 of 1,609,410 alleles (0.016%); highest among the groups gnomAD compares: Non-Finnish European, 0.018%; no homozygotes.

Submissions (2):

Labcorp Genetics (formerly Invitae), Labcorp
Classification: Likely benign. Last evaluated: 2025-08-13. Review status: criteria provided, single submitter. Criteria: Invitae Variant Classification Sherloc (09022015). Collection method: clinical testing. Allele origin: germline.

PreventionGenetics, part of Exact Sciences
Classification: Likely benign for SUCLG2-related condition. Last evaluated: 2020-01-20. Review status: no assertion criteria provided. Collection method: clinical testing. Allele origin: germline. Not counted in ClinVar's aggregate classification.
Comment: This variant is classified as likely benign based on ACMG/AMP sequence variant interpretation guidelines (Richards et al. 2015 PMID: 25741868, with internal and published modifications).

NM_003848.4(SUCLG2):c.678G>A (p.Thr226=)

Gene: SUCLG2 (succinate-CoA ligase GDP-forming subunit beta; minus strand). Cytogenetic location: 3p14.1.
Variant type: single nucleotide variant.
Coding change: c.678G>A on transcript NM_003848.4 (MANE Select); coding-DNA position 678, G replaced by A.
Protein change: p.Thr226=; no amino-acid change (threonine 226 retained).
Molecular consequence: synonymous variant.
Genome position (GRCh38, 1-based): chr3:67,508,886, C>T on the plus strand (G>A on the coding strand, the complement: SUCLG2 is on the minus strand). VCF-style: chr3-67508886-C-T. GRCh37 (hg19) VCF-style: chr3-67559310-C-T.
Other names: c.678G>A, p.Thr226= (NM_001177599.2).
Identifiers: ClinVar variation 3051445 (VCV003051445.4), dbSNP rs775954354, ClinGen allele CA2485918.